The following is an entry in ClinVar:

ClinVar aggregate classification (germline): Benign. Review status: criteria provided, multiple submitters, no conflicts (2 of 4 stars). 3 submissions from 3 submitters: Benign (2). 1 of the submissions does not count toward it. Last evaluated 2026-01-11.

Conditions:
Hemochromatosis type 4 (HFE4). Also called: Ferroportin disease; HEMOCHROMATOSIS DUE TO DEFECT IN FERROPORTIN; HEMOCHROMATOSIS, AUTOSOMAL DOMINANT. Identifiers: Orphanet 139491, Orphanet 647834, Orphanet 648562, MedGen C1853733, MONDO:0011631, OMIM 606069.
SLC40A1-related disorder. Also called: SLC40A1-related condition.

Allele frequency attached by ClinVar (database versions not stated): 1000 Genomes Project 30x 0.00219; TOPMed 0.00262; gnomAD 0.00230 and 0.00245; ESP Exome Variant Server 0.00254; 1000 Genomes Project 0.00260.
gnomAD v4.1: 649 of 1,614,070 alleles (0.04%); highest among the groups gnomAD compares: African/African-American, 0.75%; 1 homozygote.

Submissions (3):

Labcorp Genetics (formerly Invitae), Labcorp
Classification: Benign for Hemochromatosis type 4. Last evaluated: 2026-01-11. Review status: criteria provided, single submitter. Criteria: Invitae Variant Classification Sherloc (09022015). Collection method: clinical testing. Allele origin: germline.

Illumina Laboratory Services, Illumina
Classification: Benign for Hemochromatosis type 4. Last evaluated: 2018-01-12. Review status: criteria provided, single submitter. Criteria: ICSL Variant Classification Criteria 13 December 2019. Collection method: clinical testing. Allele origin: germline.
Comment: This variant was observed in the ICSL laboratory as part of a predisposition screen in an ostensibly healthy population. It had not been previously curated by ICSL or reported in the Human Gene Mutation Database (HGMD: prior to June 1st, 2018), and was therefore a candidate for classification through an automated scoring system. Utilizing variant allele frequency, disease prevalence and penetrance estimates, and inheritance mode, an automated score was calculated to assess if this variant is too frequent to cause the disease. Based on the score and internal cut-off values, a variant classified as benign is not then subjected to further curation. The score for this variant resulted in a classification of benign for this disease.

PreventionGenetics, part of Exact Sciences
Classification: Benign for SLC40A1-related condition. Last evaluated: 2019-10-28. Review status: no assertion criteria provided. Collection method: clinical testing. Allele origin: germline. Not counted in ClinVar's aggregate classification.
Comment: This variant is classified as benign based on ACMG/AMP sequence variant interpretation guidelines (Richards et al. 2015 PMID: 25741868, with internal and published modifications).

NM_014585.6(SLC40A1):c.1294A>G (p.Met432Val)

Gene: SLC40A1 (solute carrier family 40 member 1; minus strand). Cytogenetic location: 2q32.2.
Variant type: single nucleotide variant.
Coding change: c.1294A>G on transcript NM_014585.6 (MANE Select); coding-DNA position 1294, A replaced by G.
Protein change: p.Met432Val; replaces methionine 432 with valine.
Molecular consequence: missense variant.
Genome position (GRCh38, 1-based): chr2:189,563,692, T>C on the plus strand (A>G on the coding strand, the complement: SLC40A1 is on the minus strand). VCF-style: chr2-189563692-T-C. GRCh37 (hg19) VCF-style: chr2-190428418-T-C.
Other names: short protein forms M432V.
Identifiers: ClinVar variation 695283 (VCV000695283.16), dbSNP rs11568355, ClinGen allele CA2024087.